The following is an entry in ClinVar:

NM_007294.4(BRCA1):c.1102_1103insC (p.Glu368fs)

Gene: BRCA1 (BRCA1 DNA repair associated; minus strand). Cytogenetic location: 17q21.31.
Variant type: Insertion.
Coding change: c.1102_1103insC on transcript NM_007294.4 (MANE Select); coding-DNA positions 1102 to 1103, C inserted.
Protein change: p.Glu368fs; shifts the reading frame from glutamic acid 368.
Molecular consequence: frameshift variant. On other transcripts: intron variant (137).
Genome position: GRCh38 VCF-style: chr17-43094428-T-TG. GRCh37 (hg19) VCF-style: chr17-41246445-T-TG.
Other names: c.961_962insC, p.Glu321fs (NM_001407736.1, NM_001407737.1, NM_001407738.1 and 29 more transcripts); c.958_959insC, p.Glu320fs (NM_001407740.1, NM_001407741.1, NM_001407742.1 and 20 more transcripts); c.1099_1100insC, p.Glu367fs (NM_001407860.1, NM_001407861.1, NM_001407587.1 and 22 more transcripts); c.901_902insC, p.Glu301fs (NM_001407862.1); c.979_980insC, p.Glu327fs (NM_001407863.1, NM_001407674.1, NM_001407675.1 and 19 more transcripts); c.898_899insC, p.Glu300fs (NM_001407874.1, NM_001407875.1); c.892_893insC, p.Glu298fs (NM_001407879.1, NM_001407881.1, NM_001407900.1 and 13 more transcripts); c.889_890insC, p.Glu297fs (NM_001407898.1, NM_001407899.1, NM_001407571.1 and 9 more transcripts); and 40 more; short protein forms E368fs, E321fs, E297fs, E320fs, E327fs, E257fs, E300fs, E342fs.
Identifiers: ClinVar variation 548183 (VCV000548183.2), dbSNP rs1555592500, ClinGen allele CA658824538.

ClinVar aggregate classification (germline): Pathogenic (3 of 4 stars; one submission).

Conditions:
Breast-ovarian cancer, familial, susceptibility to, 1 (BROVCA1). Also called: BRCA1 Hereditary Breast and Ovarian Cancer; OVARIAN CANCER, SUSCEPTIBILITY TO. Identifiers: Orphanet 145, MedGen C2676676, MONDO:0011450, OMIM 604370. Disease mechanism: loss of function.

Submission:

Evidence-based Network for the Interpretation of Germline Mutant Alleles (ENIGMA)
Classification: Pathogenic for Breast-ovarian cancer, familial, susceptibility to, 1. Last evaluated: 2017-12-15. Review status: reviewed by expert panel. Criteria: ENIGMA BRCA1/2 Classification Criteria (2017-06-29). Collection method: curation. Allele origin: germline. Study: ENIGMA.
Comment: Variant allele predicted to encode a truncated non-functional protein.